The following is an entry in ClinVar:

NM_006767.4(LZTR1):c.1796T>G (p.Leu599Arg)

Gene: LZTR1 (leucine zipper like post translational regulator 1; plus strand). Cytogenetic location: 22q11.21.
Variant type: single nucleotide variant.
Coding change: c.1796T>G on transcript NM_006767.4 (MANE Select); coding-DNA position 1796, T replaced by G.
Protein change: p.Leu599Arg; replaces leucine 599 with arginine.
Molecular consequence: missense variant.
Genome position (GRCh38, 1-based): chr22:20,994,880, T>G. VCF-style: chr22-20994880-T-G. GRCh37 (hg19) VCF-style: chr22-21349169-T-G.
Other names: short protein forms L599R.
Identifiers: ClinVar variation 1780271 (VCV001780271.5), dbSNP rs2518622311, ClinGen allele CA410778471.
Genomic context (GRCh38, chr22:20,994,880, plus strand): 5'-CTGGGGCCCTGGCTTGACTCTGCCTGCCTGCCTGTGCCTGTCTGCCCCAGGAGCACTGCC[T>G]GAACTTCGTGGTAAAGGAGTCCCACTTCAACCAGGTGATCATGATGAAGGAGTTCGAGCG-3'
Protein context (NP_006758.2, residues 589-609): LQLSQLKEHC[Leu599Arg]NFVVKESHFN

ClinVar aggregate classification (germline): Uncertain significance. Review status: criteria provided, multiple submitters, no conflicts (2 of 4 stars). 2 submissions from 2 submitters: Uncertain significance (2). Last evaluated 2025-08-08.

Conditions:
Hereditary cancer-predisposing syndrome. Also called: Neoplastic Syndromes, Hereditary; Tumor predisposition; Hereditary Cancer Syndrome; Hereditary neoplastic syndrome. Identifiers: Orphanet 140162, MedGen C0027672, MeSH D009386, MONDO:0015356.
Cardiovascular phenotype. Identifiers: MedGen CN230736.

gnomAD v4.1: 1 of 1,613,358 alleles (0.000062%); highest among the groups gnomAD compares: Non-Finnish European, 0.000085%; no homozygotes.

Submissions (2):

Labcorp Genetics (formerly Invitae), Labcorp
Classification: Uncertain significance. Last evaluated: 2025-08-08. Review status: criteria provided, single submitter. Criteria: Invitae Variant Classification Sherloc (09022015). Collection method: clinical testing. Allele origin: germline.
Comment: This sequence change replaces leucine, which is neutral and non-polar, with arginine, which is basic and polar, at codon 599 of the LZTR1 protein (p.Leu599Arg). This variant is not present in population databases (gnomAD no frequency). This variant has not been reported in the literature in individuals affected with LZTR1-related conditions. ClinVar contains an entry for this variant (Variation ID: 1780271). Invitae Evidence Modeling of protein sequence and biophysical properties (such as structural, functional, and spatial information, amino acid conservation, physicochemical variation, residue mobility, and thermodynamic stability) indicates that this missense variant is not expected to disrupt LZTR1 protein function with a negative predictive value of 80%. In summary, the available evidence is currently insufficient to determine the role of this variant in disease. Therefore, it has been classified as a Variant of Uncertain Significance.

Ambry Genetics
Classification: Uncertain significance for Cardiovascular phenotype; Hereditary cancer-predisposing syndrome. Last evaluated: 2022-08-28. Review status: criteria provided, single submitter. Criteria: Ambry Variant Classification Scheme 2023. Collection method: clinical testing. Allele origin: germline.
Comment: The p.L599R variant (also known as c.1796T>G), located in coding exon 16 of the LZTR1 gene, results from a T to G substitution at nucleotide position 1796. The leucine at codon 599 is replaced by arginine, an amino acid with dissimilar properties. This amino acid position is conserved. In addition, this alteration is predicted to be deleterious by in silico analysis. Since supporting evidence is limited at this time, the clinical significance of this alteration remains unclear.